The following is an entry in ClinVar:

ClinVar aggregate classification (germline): Uncertain significance (1 of 4 stars; one submission).

Submission:

Women's Health and Genetics/Laboratory Corporation of America, LabCorp
Classification: Uncertain significance. Last evaluated: 2025-11-19. Review status: criteria provided, single submitter. Criteria: LabCorp Variant Classification Summary - May 2015. Collection method: clinical testing. Allele origin: germline.
Comment: Variant summary: The variant involves the duplication of exons 5-25 in the PACS2 gene. A presumed nomenclature of c.(423+1_424-1)_(*3476_?)dup has been designated for the purposes of this classification. The exact breakpoint at the 3' end of this variant is unknown, therefore this duplication may extend downstream of the annotated region of the gene. As it duplicates the termination codon, its effect on the encoded protein is unknown. The variant was absent in 20940 control chromosomes; however a similar variant involving the duplication of PACS2 exons 5-25 which also extends downstream to include a partial duplication of TEX22 was found at frequency of 4.7e-05 in 209040 control chromosomes. The available data on variant occurrences in the general population are insufficient to allow any conclusion about variant significance. To our knowledge, no occurrence of c.(423+1_424-1)_(*3476_?)dup in individuals affected with PACS2-related conditions and no experimental evidence demonstrating its impact on protein function have been reported. ClinVar contains an entry for this variant (Variation ID: 3244069). Based on the evidence outlined above, the variant was classified as uncertain significance.

NC_000014.8:g.(105821515_105833549)_(105864485_?)dup

Gene: PACS2 (phosphofurin acidic cluster sorting protein 2; plus strand). Cytogenetic location: 14q32.33.
Variant type: Duplication.
Identifiers: ClinVar variation 4537326 (VCV004537326.1).